The following is an entry in ClinVar:

ClinVar aggregate classification (germline): Uncertain significance (1 of 4 stars; one submission).

Conditions:
Cardiovascular phenotype. Identifiers: MedGen CN230736.

Submission:

Ambry Genetics
Classification: Uncertain significance for Cardiovascular phenotype. Last evaluated: 2023-08-24. Review status: criteria provided, single submitter. Criteria: Ambry Variant Classification Scheme 2023. Collection method: clinical testing. Allele origin: germline.
Comment: The c.865-1G>A intronic variant results from a G to A substitution one nucleotide upstream from coding exon 8 of the NEXN gene. Alterations that disrupt the canonical splice site are expected to cause aberrant splicing. In silico splice site analysis predicts that this alteration will weaken the native splice acceptor site and will result in the creation or strengthening of a novel splice acceptor site. The resulting transcript is predicted to be in-frame and is not expected to trigger nonsense-mediated mRNA decay; however, direct evidence is unavailable. The exact functional effect of the altered amino acid sequence is unknown. This nucleotide position is highly conserved in available vertebrate species. Since supporting evidence is limited at this time, the clinical significance of this alteration remains unclear.

NM_144573.4(NEXN):c.865-1G>A

Gene: NEXN (nexilin F-actin binding protein; plus strand). Cytogenetic location: 1p31.1.
Variant type: single nucleotide variant.
Coding change: c.865-1G>A on transcript NM_144573.4 (MANE Select); the canonical splice acceptor site of the intron before coding-DNA position 865, G replaced by A.
Molecular consequence: splice acceptor variant.
Genome position (GRCh38, 1-based): chr1:77,929,315, G>A. VCF-style: chr1-77929315-G-A. GRCh37 (hg19) VCF-style: chr1-78395000-G-A.
Other names: c.673-1G>A (NM_001172309.2).
Identifiers: ClinVar variation 2625961 (VCV002625961.2), dbSNP rs2523223219, ClinGen allele CA340874968.
Genomic context (GRCh38, chr1:77,929,315, plus strand): 5'-ATAATTCATTCCTTTTTCTGATGAACCTCAATTCTTAGTAATGAATTGTTTATTTGGTTA[G>A]GTAAATGAAGATGAGGAAAACCAAGACACAGCAAAAATTTTTAAAGGGTACCGCCCTGGT-3'